The following is an entry in ClinVar:

ClinVar aggregate classification (germline): Conflicting classifications of pathogenicity. Review status: criteria provided, conflicting classifications (1 of 4 stars). 9 submissions from 8 submitters: Uncertain significance (4); Benign (1); Likely benign (2). 2 of the submissions do not count toward it. Last evaluated 2026-01-16.

Conditions:
TTC8-related disorder. Also called: TTC8-related condition.
Retinitis pigmentosa 51 (RP51). Identifiers: Orphanet 791, MedGen C3150715, MONDO:0013274, OMIM 613464.
Bardet-Biedl syndrome 8 (BBS8). Identifiers: Orphanet 110, MedGen C1859566, MONDO:0014436, OMIM 615985.
Retinitis pigmentosa (RP). Identifiers: Orphanet 791, MedGen C0035334, MeSH D012174, MONDO:0019200, OMIM 268000. Inheritance: Autosomal dominant, autosomal recessive and X linked inheritance.
Bardet-Biedl syndrome (BBS). Identifiers: Orphanet 110, MedGen C0752166, MONDO:0015229.
Retinal dystrophy. Also called: Inherited retinal dystrophy. Identifiers: Orphanet 71862, MedGen C0854723, MeSH D058499, MONDO:0019118, HP:0000556.

Allele frequency attached by ClinVar (database versions not stated): gnomAD 0.00016 and 0.00017; gnomAD exomes 0.00016 and 0.00027; TOPMed 0.00022; ESP Exome Variant Server 0.00023; ExAC 0.00024.
gnomAD v4.1: 258 of 1,613,600 alleles (0.016%); highest among the groups gnomAD compares: East Asian, 0.12%; 1 homozygote.

Submissions (9):

Labcorp Genetics (formerly Invitae), Labcorp
Classification: Likely benign for Bardet-Biedl syndrome. Last evaluated: 2026-01-16. Review status: criteria provided, single submitter. Criteria: Invitae Variant Classification Sherloc (09022015). Collection method: clinical testing. Allele origin: germline.

Blueprint Genetics
Classification: Benign. Last evaluated: 2024-10-08. Review status: criteria provided, single submitter. Criteria: ACMG Guidelines, 2015. Collection method: clinical testing. Allele origin: germline.

Fulgent Genetics
Classification: Likely benign for Retinitis pigmentosa 51; Bardet-Biedl syndrome 8. Last evaluated: 2024-03-13. Review status: criteria provided, single submitter. Criteria: ACMG Guidelines, 2015. Collection method: clinical testing. Allele origin: germline.

Dept Of Ophthalmology, Nagoya University
Classification: Uncertain significance for Retinal dystrophy. Last evaluated: 2023-10-01. Review status: criteria provided, single submitter. Criteria: Submitter's publication. Collection method: research. Allele origin: germline. Affected: yes.

Genetic Services Laboratory, University of Chicago
Classification: Uncertain significance. Last evaluated: 2020-03-30. Review status: criteria provided, single submitter. Criteria: ACMG Guidelines, 2015. Collection method: clinical testing. Allele origin: germline. Affected: no.

Illumina Laboratory Services, Illumina
Classification: Uncertain significance for Retinitis pigmentosa. Last evaluated: 2018-01-13. Review status: criteria provided, single submitter. Criteria: ICSL Variant Classification Criteria 13 December 2019. Collection method: clinical testing. Allele origin: germline.

Illumina Laboratory Services, Illumina
Classification: Uncertain significance for Bardet-Biedl syndrome 8. Last evaluated: 2018-01-13. Review status: criteria provided, single submitter. Criteria: ICSL Variant Classification Criteria 13 December 2019. Collection method: clinical testing. Allele origin: germline.

Institute of Human Genetics, Univ. Regensburg, Univ. Regensburg
Classification: Uncertain significance for Retinal dystrophy. Last evaluated: 2023-01-01. Review status: no assertion criteria provided. Criteria: ACMG Guidelines, 2015. Collection method: clinical testing. Allele origin: germline. Affected: yes. Not counted in ClinVar's aggregate classification.

PreventionGenetics, part of Exact Sciences
Classification: Likely benign for TTC8-related condition. Last evaluated: 2022-02-13. Review status: no assertion criteria provided. Collection method: clinical testing. Allele origin: germline. Not counted in ClinVar's aggregate classification.
Comment: This variant is classified as likely benign based on ACMG/AMP sequence variant interpretation guidelines (Richards et al. 2015 PMID: 25741868, with internal and published modifications).

NM_144596.4(TTC8):c.1463C>T (p.Ala488Val)

Gene: TTC8 (tetratricopeptide repeat domain 8; plus strand). Cytogenetic location: 14q31.3.
Variant type: single nucleotide variant.
Coding change: c.1463C>T on transcript NM_144596.4 (MANE Select); coding-DNA position 1463, C replaced by T.
Protein change: p.Ala488Val; replaces alanine 488 with valine.
Molecular consequence: missense variant. On other transcripts: non-coding transcript variant (1).
Genome position (GRCh38, 1-based): chr14:88,877,325, C>T. VCF-style: chr14-88877325-C-T. GRCh37 (hg19) VCF-style: chr14-89343669-C-T.
Other names: c.1511C>T, p.Ala504Val (NM_001288781.1); c.869C>T, p.Ala290Val (NM_001288782.1); c.746C>T, p.Ala249Val (NM_001288783.1); c.1349C>T, p.Ala450Val (NM_001366535.2); c.1259C>T, p.Ala420Val (NM_001366536.2); c.1433C>T, p.Ala478Val (NM_198309.3); c.1343C>T, p.Ala448Val (NM_198310.3); c.1463C>T (NM_144596.3); short protein forms A478V, A488V, A249V, A290V, A450V, A504V, A448V, A420V.
Identifiers: ClinVar variation 314804 (VCV000314804.26), dbSNP rs199649536, ClinGen allele CA7302781.